The following is an entry in ClinVar:

NM_080669.6(SLC46A1):c.43C>T (p.Pro15Ser)

Genes: SLC46A1 (solute carrier family 46 member 1; minus strand), LOC130060550 (ATAC-STARR-seq lymphoblastoid silent region 8340; plus strand). Cytogenetic location: 17q11.2.
Variant type: single nucleotide variant.
Coding change: c.43C>T on transcript NM_080669.6 (MANE Select); coding-DNA position 43, C replaced by T.
Protein change: p.Pro15Ser; replaces proline 15 with serine.
Molecular consequence: missense variant.
Genome position (GRCh38, 1-based): chr17:28,406,072, G>A on the plus strand (C>T on the coding strand, the complement: SLC46A1 is on the minus strand). VCF-style: chr17-28406072-G-A. GRCh37 (hg19) VCF-style: chr17-26733090-G-A.
Other names: c.43C>T, p.Pro15Ser (NM_001242366.3); short protein forms P15S.
Identifiers: ClinVar variation 1477019 (VCV001477019.6), dbSNP rs781838735, ClinGen allele CA8458411.

ClinVar aggregate classification (germline): Uncertain significance. Review status: criteria provided, multiple submitters, no conflicts (2 of 4 stars). 3 submissions from 3 submitters: Uncertain significance (3). Last evaluated 2023-10-06.

Conditions:
Congenital defect of folate absorption. Also called: Hereditary Folate Malabsorption. Identifiers: Orphanet 90045, MedGen C0342705, MONDO:0009238, OMIM 229050.

Allele frequency attached by ClinVar (database versions not stated): gnomAD 0.00004 and 0.00009; TOPMed 0.00004; gnomAD exomes 0.00013; ExAC 0.00039.
gnomAD v4.1: 91 of 1,588,872 alleles (0.0057%); highest among the groups gnomAD compares: South Asian, 0.073%; 1 homozygote.

Submissions (3):

Labcorp Genetics (formerly Invitae), Labcorp
Classification: Uncertain significance. Last evaluated: 2023-10-06. Review status: criteria provided, single submitter. Criteria: Invitae Variant Classification Sherloc (09022015). Collection method: clinical testing. Allele origin: germline.
Comment: This sequence change replaces proline with serine at codon 15 of the SLC46A1 protein (p.Pro15Ser). The proline residue is weakly conserved and there is a moderate physicochemical difference between proline and serine. This variant is present in population databases (rs781838735, gnomAD 0.09%). This variant has not been reported in the literature in individuals affected with SLC46A1-related conditions. ClinVar contains an entry for this variant (Variation ID: 1477019). Experimental studies and prediction algorithms are not available or were not evaluated, and the functional significance of this variant is currently unknown. In summary, the available evidence is currently insufficient to determine the role of this variant in disease. Therefore, it has been classified as a Variant of Uncertain Significance.

Center for Genomics, Ann and Robert H. Lurie Children's Hospital of Chicago
Classification: Uncertain significance for Congenital defect of folate absorption. Last evaluated: 2022-10-04. Review status: criteria provided, single submitter. Criteria: ACMG Guidelines, 2015. Collection method: clinical testing. Allele origin: germline.
Comment: This variant has not been reported in the literature but is present in the Genome Aggregation Database (Highest reported MAF 0.007% (3/41472) including 1 homozygote. This variant is present in ClinVar (Variation ID:1477019). Evolutionary conservation and computational predictive tools suggest that this variant may not impact the protein. In summary, data on this variant is insufficient for disease classification. Therefore, the clinical significance of this variant is uncertain.

Breakthrough Genomics
Classification: Uncertain significance. Review status: criteria provided, single submitter. Criteria: ACMG Guidelines, 2015. Collection method: not provided. Allele origin: germline. Inheritance: Autosomal recessive inheritance. Affected: yes.